The following is an entry in ClinVar:

ClinVar aggregate classification (germline): Uncertain significance (1 of 4 stars; one submission).

Conditions:
Autosomal dominant mendelian susceptibility to mycobacterial diseases due to partial IFNgammaR1 deficiency. Also called: IMMUNODEFICIENCY 27B, MYCOBACTERIOSIS, AUTOSOMAL DOMINANT; IFNGR1 DEFICIENCY, AUTOSOMAL DOMINANT; Immunodeficiency 27b. Identifiers: Orphanet 319581, MedGen C4014863, MONDO:0014429, OMIM 615978.

Submission:

Neuberg Centre For Genomic Medicine, NCGM
Classification: Uncertain significance for Autosomal dominant mendelian susceptibility to mycobacterial diseases due to partial IFNgammaR1 deficiency. Last evaluated: 2024-02-01. Review status: criteria provided, single submitter. Criteria: ACMG Guidelines, 2015. Collection method: clinical testing. Allele origin: germline. Inheritance: Autosomal dominant inheritance. Affected: yes.
Comment: The above variant has not been reported previously as a pathogenic variant nor as a benign variant, to our knowledge.

NM_000416.3(IFNGR1):c.1334T>C (p.Leu445Pro)

Gene: IFNGR1 (interferon gamma receptor 1; minus strand). Cytogenetic location: 6q23.3.
Variant type: single nucleotide variant.
Coding change: c.1334T>C on transcript NM_000416.3 (MANE Select); coding-DNA position 1334, T replaced by C.
Protein change: p.Leu445Pro; replaces leucine 445 with proline.
Molecular consequence: missense variant.
Genome position (GRCh38, 1-based): chr6:137,198,167, A>G on the plus strand (T>C on the coding strand, the complement: IFNGR1 is on the minus strand). VCF-style: chr6-137198167-A-G. GRCh37 (hg19) VCF-style: chr6-137519304-A-G.
Other names: c.1304T>C, p.Leu435Pro (NM_001363526.1); c.1211T>C, p.Leu404Pro (NM_001363527.1); short protein forms L404P, L435P, L445P.
Identifiers: ClinVar variation 3895496 (VCV003895496.2).